The following is an entry in ClinVar:

ClinVar aggregate classification (germline): Uncertain significance. Review status: criteria provided, multiple submitters, no conflicts (2 of 4 stars). 2 submissions from 2 submitters: Uncertain significance (2). Last evaluated 2022-08-15.

Conditions:
Inborn genetic diseases. Identifiers: MedGen C0950123, MeSH D030342.
Familial hemophagocytic lymphohistiocytosis 2 (FHL2). Also called: PRF1-Related Familial Hemophagocytic Lymphohistiocytosis (PRF1-fHLH). Identifiers: Orphanet 540, MedGen C1863727, MONDO:0011337, OMIM 603553.

Allele frequency attached by ClinVar (database versions not stated): TOPMed 0.00003; ExAC 0.00005; gnomAD exomes 0.00006 and 0.00003; gnomAD 0.00003.

Submissions (2):

Labcorp Genetics (formerly Invitae), Labcorp
Classification: Uncertain significance for Familial hemophagocytic lymphohistiocytosis 2. Last evaluated: 2022-08-15. Review status: criteria provided, single submitter. Criteria: Invitae Variant Classification Sherloc (09022015). Collection method: clinical testing. Allele origin: germline.
Comment: This sequence change replaces arginine, which is basic and polar, with cysteine, which is neutral and slightly polar, at codon 123 of the PRF1 protein (p.Arg123Cys). This variant is present in population databases (rs370935432, gnomAD 0.01%). This variant has not been reported in the literature in individuals affected with PRF1-related conditions. ClinVar contains an entry for this variant (Variation ID: 1413966). Algorithms developed to predict the effect of missense changes on protein structure and function are either unavailable or do not agree on the potential impact of this missense change (SIFT: "Deleterious"; PolyPhen-2: "Possibly Damaging"; Align-GVGD: "Class C15"). In summary, the available evidence is currently insufficient to determine the role of this variant in disease. Therefore, it has been classified as a Variant of Uncertain Significance.

Ambry Genetics
Classification: Uncertain significance for Inborn genetic diseases. Last evaluated: 2022-01-05. Review status: criteria provided, single submitter. Criteria: Ambry Variant Classification Scheme 2023. Collection method: clinical testing. Allele origin: germline.

NM_001083116.3(PRF1):c.367C>T (p.Arg123Cys)

Gene: PRF1 (perforin 1; minus strand). Cytogenetic location: 10q22.1.
Variant type: single nucleotide variant.
Coding change: c.367C>T on transcript NM_001083116.3 (MANE Select); coding-DNA position 367, C replaced by T.
Protein change: p.Arg123Cys; replaces arginine 123 with cysteine.
Molecular consequence: missense variant.
Genome position (GRCh38, 1-based): chr10:70,600,536, G>A on the plus strand (C>T on the coding strand, the complement: PRF1 is on the minus strand). VCF-style: chr10-70600536-G-A. GRCh37 (hg19) VCF-style: chr10-72360292-G-A.
Other names: c.367C>T (NM_001083116.1); c.367C>T, p.Arg123Cys (NM_005041.6); short protein forms R123C.
Identifiers: ClinVar variation 1413966 (VCV001413966.6), dbSNP rs370935432, ClinGen allele CA5539060.